The following is an entry in ClinVar:

NM_181426.2(CCDC39):c.1359C>T (p.Ser453=)

Gene: CCDC39 (coiled-coil domain 39 molecular ruler complex subunit; minus strand). Cytogenetic location: 3q26.33.
Variant type: single nucleotide variant.
Coding change: c.1359C>T on transcript NM_181426.2 (MANE Select); coding-DNA position 1359, C replaced by T.
Protein change: p.Ser453=; no amino-acid change (serine 453 retained).
Molecular consequence: synonymous variant.
Genome position (GRCh38, 1-based): chr3:180,648,168, G>A on the plus strand (C>T on the coding strand, the complement: CCDC39 is on the minus strand). VCF-style: chr3-180648168-G-A. GRCh37 (hg19) VCF-style: chr3-180365956-G-A.
Other names: p.Ser453=.
Identifiers: ClinVar variation 162842 (VCV000162842.28), dbSNP rs6769457, ClinGen allele CA175419.

ClinVar aggregate classification (germline): Benign/Likely benign. Review status: criteria provided, multiple submitters, no conflicts (2 of 4 stars). 11 submissions from 11 submitters: Benign (8); Likely benign (1). 2 of the submissions do not count toward it. Last evaluated 2026-02-04.

Conditions:
Primary ciliary dyskinesia 14. Also called: CILIARY DYSKINESIA, PRIMARY, 14, WITH OR WITHOUT SITUS INVERSUS. Identifiers: Orphanet 244, MedGen C3151136, MONDO:0013434, OMIM 613807.
Primary ciliary dyskinesia. Also called: Ciliary dyskinesia. Identifiers: Orphanet 244, MedGen C0008780, MONDO:0016575, HP:0012265.

Allele frequency attached by ClinVar (database versions not stated): 1000 Genomes Project 0.31889; 1000 Genomes Project 30x 0.32933; gnomAD 0.33560; ESP Exome Variant Server 0.34692; TOPMed 0.35691.
gnomAD v4.1: 383,330 of 1,604,550 alleles (24%); highest among the groups gnomAD compares: African/African-American, 65%; 54,550 homozygotes.

Submissions (11):

Labcorp Genetics (formerly Invitae), Labcorp
Classification: Benign for Primary ciliary dyskinesia. Last evaluated: 2026-02-04. Review status: criteria provided, single submitter. Criteria: Invitae Variant Classification Sherloc (09022015). Collection method: clinical testing. Allele origin: germline.

Blueprint Genetics
Classification: Likely benign. Last evaluated: 2024-11-26. Review status: criteria provided, single submitter. Criteria: ACMG Guidelines, 2015. Collection method: clinical testing. Allele origin: germline.

Mayo Clinic Laboratories, Mayo Clinic
Classification: Benign. Last evaluated: 2022-04-26. Review status: criteria provided, single submitter. Criteria: ACMG Guidelines, 2015. Collection method: clinical testing. Allele origin: germline. Observed: 92 variant alleles.

GeneDx
Classification: Benign. Last evaluated: 2018-11-10. Review status: criteria provided, single submitter. Criteria: GeneDx Variant Classification Process June 2021. Collection method: clinical testing. Allele origin: germline. Affected: yes.

Illumina Laboratory Services, Illumina
Classification: Benign for Primary ciliary dyskinesia 14. Last evaluated: 2018-01-12. Review status: criteria provided, single submitter. Criteria: ICSL Variant Classification Criteria 13 December 2019. Collection method: clinical testing. Allele origin: germline.
Comment: This variant was observed in the ICSL laboratory as part of a predisposition screen in an ostensibly healthy population. It had not been previously curated by ICSL or reported in the Human Gene Mutation Database (HGMD: prior to June 1st, 2018), and was therefore a candidate for classification through an automated scoring system. Utilizing variant allele frequency, disease prevalence and penetrance estimates, and inheritance mode, an automated score was calculated to assess if this variant is too frequent to cause the disease. Based on the score and internal cut-off values, a variant classified as benign is not then subjected to further curation. The score for this variant resulted in a classification of benign for this disease.

Ambry Genetics
Classification: Benign for Primary ciliary dyskinesia. Last evaluated: 2016-07-07. Review status: criteria provided, single submitter. Criteria: Ambry Variant Classification Scheme 2023. Collection method: clinical testing. Allele origin: germline.

Laboratory for Molecular Medicine, Mass General Brigham Personalized Medicine
Classification: Benign. Last evaluated: 2013-02-21. Review status: criteria provided, single submitter. Criteria: LMM Criteria. Collection method: clinical testing. Allele origin: germline. Observed: 54 variant alleles.
Comment: Ser453Ser in exon 10 of CCDC39: This variant is not expected to have clinical si gnificance because it does not alter an amino acid residue and is not located wi thin the splice consensus sequence. It has been identified in 37.4% (1391/3724) of African American chromosomes from a broad population by the NHLBI Exome Seque ncing Project (dbSNP rs6769457).

Breakthrough Genomics
Classification: Benign. Review status: criteria provided, single submitter. Criteria: ACMG Guidelines, 2015. Collection method: not provided. Allele origin: germline. Inheritance: Autosomal recessive inheritance. Affected: yes.

PreventionGenetics, part of Exact Sciences
Classification: Benign. Review status: criteria provided, single submitter. Criteria: ACMG Guidelines, 2015. Collection method: clinical testing. Allele origin: germline.

Clinical Genetics DNA and cytogenetics Diagnostics Lab, Erasmus MC, Erasmus Medical Center
Classification: Benign. Review status: no assertion criteria provided. Collection method: clinical testing. Allele origin: germline. Affected: yes. Study: VKGL Data-share Consensus. Not counted in ClinVar's aggregate classification.

Diagnostic Laboratory, Department of Genetics, University Medical Center Groningen
Classification: Benign for Primary ciliary dyskinesia 14. Review status: no assertion criteria provided. Collection method: clinical testing. Allele origin: germline. Affected: yes. Study: VKGL Data-share Consensus. Not counted in ClinVar's aggregate classification.